The following is an entry in ClinVar:

NM_000238.4(KCNH2):c.3365C>T (p.Pro1122Leu)

Gene: KCNH2 (potassium voltage-gated channel subfamily H member 2; minus strand). Cytogenetic location: 7q36.1.
Variant type: single nucleotide variant.
Coding change: c.3365C>T on transcript NM_000238.4 (MANE Select); coding-DNA position 3365, C replaced by T.
Protein change: p.Pro1122Leu; replaces proline 1122 with leucine.
Molecular consequence: missense variant. On other transcripts: non-coding transcript variant (2).
Genome position (GRCh38, 1-based): chr7:150,945,480, G>A on the plus strand (C>T on the coding strand, the complement: KCNH2 is on the minus strand). VCF-style: chr7-150945480-G-A. GRCh37 (hg19) VCF-style: chr7-150642568-G-A.
Other names: p.P1122L:CCG>CTG; c.3077C>T, p.Pro1026Leu (NM_001406753.1); c.2345C>T, p.Pro782Leu (NM_172057.3); short protein forms P1122L, P782L, P1026L.
Identifiers: ClinVar variation 200534 (VCV000200534.59), dbSNP rs531460655, ClinGen allele CA008263.

ClinVar aggregate classification (germline): Conflicting classifications of pathogenicity. Review status: criteria provided, conflicting classifications (1 of 4 stars). 6 submissions from 6 submitters: Uncertain significance (4); Likely benign (2). Last evaluated 2025-11-12.

Conditions:
Cardiac arrhythmia. Also called: Arrhythmia; Cardiac rhythm disease. Identifiers: MedGen C0003811, MONDO:0007263, HP:0011675.
Cardiovascular phenotype. Identifiers: MedGen CN230736.
Long QT syndrome (LQTS). Identifiers: MedGen C0023976, MeSH D008133, MONDO:0002442. Disease mechanism: loss of function. Inheritance: Various modes of inheritance.

Allele frequency attached by ClinVar (database versions not stated): gnomAD 0.00003 and 0.00004; TOPMed 0.00004; ExAC 0.00029.
gnomAD v4.1: 73 of 1,558,702 alleles (0.0047%); highest among the groups gnomAD compares: South Asian, 0.025%; 1 homozygote.

Submissions (6):

Labcorp Genetics (formerly Invitae), Labcorp
Classification: Uncertain significance for Long QT syndrome. Last evaluated: 2025-11-12. Review status: criteria provided, single submitter. Criteria: Invitae Variant Classification Sherloc (09022015). Collection method: clinical testing. Allele origin: germline.
Comment: This sequence change replaces proline, which is neutral and non-polar, with leucine, which is neutral and non-polar, at codon 1122 of the KCNH2 protein (p.Pro1122Leu). This variant is present in population databases (rs531460655, gnomAD 0.04%), and has an allele count higher than expected for a pathogenic variant. This variant has not been reported in the literature in individuals affected with KCNH2-related conditions. ClinVar contains an entry for this variant (Variation ID: 200534). An algorithm developed to predict the effect of missense changes on protein structure and function (PolyPhen-2) suggests that this variant is likely to be tolerated. In summary, the available evidence is currently insufficient to determine the role of this variant in disease. Therefore, it has been classified as a Variant of Uncertain Significance.

Ambry Genetics
Classification: Likely benign for Cardiovascular phenotype. Last evaluated: 2025-03-15. Review status: criteria provided, single submitter. Criteria: Ambry Variant Classification Scheme 2023. Collection method: clinical testing. Allele origin: germline.

Color Diagnostics, LLC DBA Color Health
Classification: Likely benign for Cardiac arrhythmia. Last evaluated: 2024-05-06. Review status: criteria provided, single submitter. Criteria: ACMG Guidelines, 2015. Collection method: clinical testing. Allele origin: germline.

Dept of Medical Biology, Uskudar University
Classification: Uncertain significance for Long QT syndrome. Last evaluated: 2024-01-08. Review status: criteria provided, single submitter. Criteria: Dept of Medical Biology Variant Classification. Collection method: research. Allele origin: maternal. Affected: yes. Observed: 1 variant allele.
Comment: Criteria: PP2, BP4

All of Us Research Program, National Institutes of Health
Classification: Uncertain significance for Long QT syndrome. Last evaluated: 2023-12-01. Review status: criteria provided, single submitter. Criteria: ACMG Guidelines, 2015. Collection method: clinical testing. Allele origin: germline. Inheritance: Autosomal dominant inheritance. Observed: 10 variant alleles, 10 heterozygotes.
Comment: This missense variant replaces proline with leucine at codon 1122 of the KCNH2 protein. Computational prediction tools and conservation analyses are inconclusive regarding the impact of this variant on the protein function. Computational splicing tools suggest that this variant may not impact RNA splicing. To our knowledge, functional assays have not been performed for this variant nor has this variant been reported in individuals affected with cardiovascular disorders in the literature. This variant has been identified in 14/194590 chromosomes in the general population by the Genome Aggregation Database (gnomAD). Available evidence is insufficient to determine the role of this variant in disease conclusively. Therefore, this variant is classified as a Variant of Uncertain Significance.

This study involves interpretation of variants in research participants for the purpose of population health screening. Participant phenotype was not available at the time of variant classification. Additional details can be found in publication PMID: 35346344, PMCID: PMC8962531

GeneDx
Classification: Uncertain significance. Last evaluated: 2023-07-13. Review status: criteria provided, single submitter. Criteria: GeneDx Variant Classification Process June 2021. Collection method: clinical testing. Allele origin: germline. Affected: yes.
Comment: In silico analysis supports that this missense variant does not alter protein structure/function; Has not been previously published as pathogenic or benign to our knowledge